The following is an entry in ClinVar:

ClinVar aggregate classification (germline): Uncertain significance (1 of 4 stars; one submission).

gnomAD v4.1: 1 of 1,613,854 alleles (0.000062%); highest among the groups gnomAD compares: Non-Finnish European, 0.000085%; no homozygotes.

Submission:

Labcorp Genetics (formerly Invitae), Labcorp
Classification: Uncertain significance. Last evaluated: 2025-10-07. Review status: criteria provided, single submitter. Criteria: Invitae Variant Classification Sherloc (09022015). Collection method: clinical testing. Allele origin: germline.
Comment: This sequence change replaces proline, which is neutral and non-polar, with leucine, which is neutral and non-polar, at codon 663 of the C3 protein (p.Pro663Leu). This variant is not present in population databases (gnomAD no frequency). This variant has not been reported in the literature in individuals affected with C3-related conditions. Invitae Evidence Modeling of protein sequence and biophysical properties (such as structural, functional, and spatial information, amino acid conservation, physicochemical variation, residue mobility, and thermodynamic stability) indicates that this missense variant is expected to disrupt C3 protein function with a positive predictive value of 80%. In summary, the available evidence is currently insufficient to determine the role of this variant in disease. Therefore, it has been classified as a Variant of Uncertain Significance.

NM_000064.4(C3):c.1988C>T (p.Pro663Leu)

Gene: C3 (complement C3; minus strand). Cytogenetic location: 19p13.3.
Variant type: single nucleotide variant.
Coding change: c.1988C>T on transcript NM_000064.4 (MANE Select); coding-DNA position 1988, C replaced by T.
Protein change: p.Pro663Leu; replaces proline 663 with leucine.
Molecular consequence: missense variant.
Genome position (GRCh38, 1-based): chr19:6,707,525, G>A on the plus strand (C>T on the coding strand, the complement: C3 is on the minus strand). VCF-style: chr19-6707525-G-A. GRCh37 (hg19) VCF-style: chr19-6707536-G-A.
Other names: short protein forms P663L.
Identifiers: ClinVar variation 4741914 (VCV004741914.1).